The following is an entry in ClinVar:

ClinVar aggregate classification (germline): Uncertain significance (1 of 4 stars; one submission).

Conditions:
Inborn genetic diseases. Identifiers: MedGen C0950123, MeSH D030342.

Submission:

Ambry Genetics
Classification: Uncertain significance for Inborn genetic diseases. Last evaluated: 2025-08-07. Review status: criteria provided, single submitter. Criteria: Ambry Variant Classification Scheme 2023. Collection method: clinical testing. Allele origin: germline.
Comment: The p.G191R variant (also known as c.571G>C), located in coding exon 1 of the WT1 gene, results from a G to C substitution at nucleotide position 571. The glycine at codon 191 is replaced by arginine, an amino acid with dissimilar properties. This amino acid position is conserved. In addition, the in silico prediction for this alteration is inconclusive. Based on the available evidence, the clinical significance of this variant remains unclear.

NM_024426.6(WT1):c.586G>C (p.Gly196Arg)

Genes: WT1 (WT1 transcription factor; minus strand), LOC107982234 (WT1/WT1-AS bi-directional promoter region; plus strand). Cytogenetic location: 11p13.
Variant type: single nucleotide variant.
Coding change: c.586G>C on transcript NM_024426.6 (MANE Select); coding-DNA position 586, G replaced by C.
Protein change: p.Gly196Arg; replaces glycine 196 with arginine.
Molecular consequence: missense variant. On other transcripts: non-coding transcript variant (2).
Genome position (GRCh38, 1-based): chr11:32,434,775, C>G on the plus strand (G>C on the coding strand, the complement: WT1 is on the minus strand). VCF-style: chr11-32434775-C-G. GRCh37 (hg19) VCF-style: chr11-32456321-C-G.
Other names: c.367G>C, p.Gly123Arg (NM_001429031.1, NM_001429032.1, NM_001429033.1 and 1 more transcripts); c.586G>C, p.Gly196Arg (NM_024424.5, NM_000378.6, NM_001407044.1 and 6 more transcripts); short protein forms G196R, G191R, G123R.
Identifiers: ClinVar variation 4202235 (VCV004202235.1).